The following is an entry in ClinVar:

ClinVar aggregate classification (germline): Uncertain significance (1 of 4 stars; one submission).

Submission:

GeneDx
Classification: Uncertain significance. Last evaluated: 2026-04-16. Review status: criteria provided, single submitter. Criteria: GeneDx Variant Classification Process June 2021. Collection method: clinical testing. Allele origin: germline.
Comment: Not observed at significant frequency in large population cohorts (gnomAD); In silico analysis suggests that this missense variant does not alter protein structure/function; Has not been previously published as pathogenic or benign to our knowledge

NM_001348716.2(KDM6B):c.1583C>T (p.Pro528Leu)

Gene: KDM6B (lysine demethylase 6B; plus strand). Cytogenetic location: 17p13.1.
Variant type: single nucleotide variant.
Coding change: c.1583C>T on transcript NM_001348716.2 (MANE Select); coding-DNA position 1583, C replaced by T.
Protein change: p.Pro528Leu; replaces proline 528 with leucine.
Molecular consequence: missense variant.
Genome position (GRCh38, 1-based): chr17:7,847,871, C>T. VCF-style: chr17-7847871-C-T. GRCh37 (hg19) VCF-style: chr17-7751189-C-T.
Other names: c.1583C>T, p.Pro528Leu (NM_001080424.2); short protein forms P528L.
Identifiers: ClinVar variation 5036908 (VCV005036908.1).